The following is an entry in ClinVar:

ClinVar aggregate classification (germline): Likely pathogenic (1 of 4 stars; one submission).

Conditions:
Nemaline myopathy 2 (NEM2). Also called: Nemaline myopathy 2, autosomal recessive. Identifiers: MedGen C1850569, MONDO:0009725, OMIM 256030.

Submission:

Myriad Genetics, Inc.
Classification: Likely pathogenic for Nemaline myopathy 2. Last evaluated: 2022-03-08. Review status: criteria provided, single submitter. Criteria: Myriad Women's Health Autosomal Recessive and X-Linked Classification Criteria (2021). Collection method: clinical testing. Allele origin: unknown.
Comment: NM_001271208.1(NEB):c.10222A>T(K3408*) is expected to be pathogenic in the context of NEB-related nemaline myopathy. This variant is predicted to lead to an abnormal or absent protein product due to the creation of a premature termination codon in NEB, a gene where loss-of-function variants are known to be pathogenic. Please note: this variant was assessed in the context of healthy population screening.

NM_001164508.2(NEB):c.10222A>T (p.Lys3408Ter)

Gene: NEB (nebulin; minus strand). Cytogenetic location: 2q23.3.
Variant type: single nucleotide variant.
Coding change: c.10222A>T on transcript NM_001164508.2 (MANE Select); coding-DNA position 10222, A replaced by T.
Protein change: p.Lys3408Ter; replaces lysine 3408 with a stop codon.
Molecular consequence: nonsense.
Genome position (GRCh38, 1-based): chr2:151,627,127, T>A on the plus strand (A>T on the coding strand, the complement: NEB is on the minus strand). VCF-style: chr2-151627127-T-A. GRCh37 (hg19) VCF-style: chr2-152483641-T-A.
Other names: c.10222A>T, p.Lys3408Ter (NM_001164507.2, NM_001271208.2); c.9493A>T, p.Lys3165Ter (NM_004543.5); short protein forms K3165*, K3408*.
Identifiers: ClinVar variation 1725120 (VCV001725120.2), dbSNP rs2552236290, ClinGen allele CA348792634.